The following is an entry in ClinVar:

NM_145046.5(CALR3):c.271C>G (p.Leu91Val)

Gene: CALR3 (calreticulin 3; minus strand). Cytogenetic location: 19p13.11.
Variant type: single nucleotide variant.
Coding change: c.271C>G on transcript NM_145046.5 (MANE Select); coding-DNA position 271, C replaced by G.
Protein change: p.Leu91Val; replaces leucine 91 with valine.
Molecular consequence: missense variant.
Genome position (GRCh38, 1-based): chr19:16,490,493, G>C on the plus strand (C>G on the coding strand, the complement: CALR3 is on the minus strand). VCF-style: chr19-16490493-G-C. GRCh37 (hg19) VCF-style: chr19-16601304-G-C.
Other names: short protein forms L91V.
Identifiers: ClinVar variation 4741208 (VCV004741208.1).
Genomic context (GRCh38, chr19:16,490,493, plus strand): 5'-TAATGTAGCCCCCTCCACAGTCCATCTTCTGCTCATGTTTTACTGTGTACTGAATAACCA[G>C]AGTTTTCCCTTTATTGCTGAACGGTTTGAAGCGTGCAGAGATGGCATAGAATCGGCCATT-3'
Protein context (NP_659483.2, residues 81-101): FKPFSNKGKT[Leu91Val]VIQYTVKHEQ

ClinVar aggregate classification (germline): Uncertain significance (1 of 4 stars; one submission).

Conditions:
Hypertrophic cardiomyopathy 19. Also called: Familial hypertrophic cardiomyopathy 19. Identifiers: MedGen CN077603, MONDO:0013476.

Submission:

Labcorp Genetics (formerly Invitae), Labcorp
Classification: Uncertain significance for Hypertrophic cardiomyopathy 19. Last evaluated: 2025-10-13. Review status: criteria provided, single submitter. Criteria: Invitae Variant Classification Sherloc (09022015). Collection method: clinical testing. Allele origin: germline.
Comment: This sequence change replaces leucine, which is neutral and non-polar, with valine, which is neutral and non-polar, at codon 91 of the CALR3 protein (p.Leu91Val). This variant is not present in population databases (gnomAD no frequency). This variant has not been reported in the literature in individuals affected with CALR3-related conditions. Invitae Evidence Modeling of protein sequence and biophysical properties (such as structural, functional, and spatial information, amino acid conservation, physicochemical variation, residue mobility, and thermodynamic stability) indicates that this missense variant is not expected to disrupt CALR3 protein function with a negative predictive value of 80%. In summary, the available evidence is currently insufficient to determine the role of this variant in disease. Therefore, it has been classified as a Variant of Uncertain Significance.